The following is an entry in ClinVar:

NM_001040716.2(PC):c.1513+9C>A

Gene: PC (pyruvate carboxylase; minus strand). Cytogenetic location: 11q13.2.
Variant type: single nucleotide variant.
Coding change: c.1513+9C>A on transcript NM_001040716.2 (MANE Select); 9 bases into the intron after coding-DNA position 1513, C replaced by A.
Molecular consequence: intron variant.
Genome position (GRCh38, 1-based): chr11:66,853,230, G>T on the plus strand (C>A on the coding strand, the complement: PC is on the minus strand). VCF-style: chr11-66853230-G-T. GRCh37 (hg19) VCF-style: chr11-66620701-G-T.
Other names: c.1513+9C>A (NM_000920.4, NM_022172.3).
Identifiers: ClinVar variation 129879 (VCV000129879.20), dbSNP rs45580638, ClinGen allele CA288977.
Genomic context (GRCh38, chr11:66,853,230, plus strand): 5'-GGAGGTAGGAGCAAGAGATTGGAGAGCGGAGGGGAGGGGAGGGCAGGGCAGGGCAGTCTC[G>T]GGCCAGACCGAGGTAGTGCAACAGCTTTTGGGCCCGGTTCTGTGCAGGCCGCAGCTGGAA-3'

ClinVar aggregate classification (germline): Benign/Likely benign. Review status: criteria provided, multiple submitters, no conflicts (2 of 4 stars). 5 submissions from 5 submitters: Benign (3); Likely benign (1). 1 of the submissions does not count toward it. Last evaluated 2026-02-02.

Conditions:
Pyruvate carboxylase deficiency. Also called: ATAXIA WITH LACTIC ACIDOSIS II; LEIGH NECROTIZING ENCEPHALOPATHY DUE TO PYRUVATE CARBOXYLASE DEFICIENCY; LEIGH SYNDROME DUE TO PYRUVATE CARBOXYLASE DEFICIENCY; PC DEFICIENCY; Pyruvate Carboxylase Deficiency Disease. Identifiers: Orphanet 3008, MedGen C0034341, MONDO:0009949, OMIM 266150.

Allele frequency attached by ClinVar (database versions not stated): ESP Exome Variant Server 0.02648; TOPMed 0.02822; 1000 Genomes Project 0.02895; 1000 Genomes Project 30x 0.03139.
gnomAD v4.1: 7,147 of 1,613,358 alleles (0.44%); highest among the groups gnomAD compares: African/African-American, 8.4%; 291 homozygotes.

Submissions (5):

Labcorp Genetics (formerly Invitae), Labcorp
Classification: Benign for Pyruvate carboxylase deficiency. Last evaluated: 2026-02-02. Review status: criteria provided, single submitter. Criteria: Invitae Variant Classification Sherloc (09022015). Collection method: clinical testing. Allele origin: germline.

Fulgent Genetics
Classification: Likely benign for Pyruvate carboxylase deficiency. Last evaluated: 2021-07-16. Review status: criteria provided, single submitter. Criteria: ACMG Guidelines, 2015. Collection method: clinical testing. Allele origin: unknown.

Illumina Laboratory Services, Illumina
Classification: Benign for Pyruvate carboxylase deficiency. Last evaluated: 2018-01-12. Review status: criteria provided, single submitter. Criteria: ICSL Variant Classification Criteria 13 December 2019. Collection method: clinical testing. Allele origin: germline.
Comment: This variant was observed in the ICSL laboratory as part of a predisposition screen in an ostensibly healthy population. It had not been previously curated by ICSL or reported in the Human Gene Mutation Database (HGMD: prior to June 1st, 2018), and was therefore a candidate for classification through an automated scoring system. Utilizing variant allele frequency, disease prevalence and penetrance estimates, and inheritance mode, an automated score was calculated to assess if this variant is too frequent to cause the disease. Based on the score and internal cut-off values, a variant classified as benign is not then subjected to further curation. The score for this variant resulted in a classification of benign for this disease.

GeneDx
Classification: Benign. Last evaluated: 2013-07-25. Review status: criteria provided, single submitter. Criteria: GeneDx Variant Classification (06012015). Collection method: clinical testing. Allele origin: germline. Affected: yes.
Comment: This variant is considered likely benign or benign based on one or more of the following criteria: it is a conservative change, it occurs at a poorly conserved position in the protein, it is predicted to be benign by multiple in silico algorithms, and/or has population frequency not consistent with disease.

Genetic Services Laboratory, University of Chicago
Classification: Likely benign for AllHighlyPenetrant. Review status: no assertion criteria provided. Collection method: clinical testing. Allele origin: germline. Inheritance: Autosomal recessive inheritance. Not counted in ClinVar's aggregate classification.
Comment: Likely benign based on allele frequency in 1000 Genomes Project or ESP global frequency and its presence in a patient with a rare or unrelated disease phenotype. NOT Sanger confirmed.